The following is an entry in ClinVar:

ClinVar aggregate classification (germline): Uncertain significance (1 of 4 stars; one submission).

Conditions:
Vascular skin disorders.

Submission:

Genetics Laboratory, Great Ormond Street Hospital NHS Foundation Trust, North Thames Genomic Laboratory Hub
Classification: Uncertain significance for Vascular skin disorders. Last evaluated: 2026-01-28. Review status: criteria provided, single submitter. Criteria: ACGS Best Practice Guidelines for Variant Classification in Rare Disease 2024 v1.2. Collection method: clinical testing. Allele origin: germline. Affected: yes.
Comment: PVS1_very-strong

NM_053274.3(GLMN):c.554del (p.Lys185fs)

Gene: GLMN (glomulin, FKBP associated protein; minus strand). Cytogenetic location: 1p22.1.
Variant type: Deletion.
Coding change: c.554del on transcript NM_053274.3 (MANE Select); coding-DNA position 554, one base deleted (A; older notation c.554delA).
Protein change: p.Lys185fs; shifts the reading frame from lysine 185.
Molecular consequence: frameshift variant. On other transcripts: non-coding transcript variant (1).
Genome position (GRCh38, 1-based): chr1:92,288,992, T deleted on the plus strand (A on the coding strand, the reverse complement: GLMN is on the minus strand); the first of 2 consecutive T bases (chr1:92,288,992-92,288,993); deleting either gives the same sequence. VCF-style (leftmost placement, unchanged base first): chr1-92288991-CT-C. GRCh37 (hg19) VCF-style: chr1-92754548-CT-C.
Other names: c.554del, p.Lys185fs (NM_001319683.2); short protein forms K185fs.
Identifiers: ClinVar variation 4814253 (VCV004814253.1).